The following is an entry in ClinVar:

NM_001283009.2(RTEL1):c.3166G>T (p.Gly1056Cys)

Genes: RTEL1 (regulator of telomere elongation helicase 1; plus strand), RTEL1-TNFRSF6B (RTEL1-TNFRSF6B readthrough (NMD candidate); plus strand). Cytogenetic location: 20q13.33.
Variant type: single nucleotide variant.
Coding change: c.3166G>T on transcript NM_001283009.2 (MANE Select); coding-DNA position 3166, G replaced by T.
Protein change: p.Gly1056Cys; replaces glycine 1056 with cysteine.
Molecular consequence: missense variant. On other transcripts: non-coding transcript variant (1).
Genome position (GRCh38, 1-based): chr20:63,694,797, G>T. VCF-style: chr20-63694797-G-T. GRCh37 (hg19) VCF-style: chr20-62326150-G-T.
Other names: c.2497G>T, p.Gly833Cys (NM_001283010.1); c.3166G>T, p.Gly1056Cys (NM_016434.4); c.3238G>T, p.Gly1080Cys (NM_032957.5); short protein forms G1056C, G833C, G1080C.
Identifiers: ClinVar variation 5028537 (VCV005028537.1).

ClinVar aggregate classification (germline): Uncertain significance (1 of 4 stars; one submission).

Conditions:
Inborn genetic diseases. Identifiers: MedGen C0950123, MeSH D030342.

Submission:

Ambry Genetics
Classification: Uncertain significance for Inborn genetic diseases. Last evaluated: 2026-09-06. Review status: criteria provided, single submitter. Criteria: Ambry Variant Classification Scheme 2023. Collection method: clinical testing. Allele origin: germline.
Comment: The p.G1056C variant (also known as c.3166G>T), located in coding exon 31 of the RTEL1 gene, results from a G to T substitution at nucleotide position 3166. The glycine at codon 1056 is replaced by cysteine, an amino acid with highly dissimilar properties. This amino acid position is conserved. In addition, this alteration is predicted to be tolerated by in silico analysis. Based on the available evidence, the clinical significance of this variant remains unclear.